The following is an entry in ClinVar:

ClinVar aggregate classification (germline): Likely benign (1 of 4 stars; one submission).

Allele frequency attached by ClinVar (database versions not stated): gnomAD 0.00002; gnomAD exomes 0.00002.
gnomAD v4.1: 38 of 1,612,554 alleles (0.0024%); highest among the groups gnomAD compares: South Asian, 0.012%; no homozygotes.

Submission:

CeGaT Center for Human Genetics Tuebingen
Classification: Likely benign. Last evaluated: 2022-06-01. Review status: criteria provided, single submitter. Criteria: CeGaT Center For Human Genetics Tuebingen Variant Classification Criteria Version 2. Collection method: clinical testing. Allele origin: germline. Affected: yes. Observed: 1 variant allele.
Comment: CHD1: BP4, BP7

NM_001270.4(CHD1):c.3582C>T (p.Leu1194=)

Gene: CHD1 (chromodomain helicase DNA binding protein 1; minus strand). Cytogenetic location: 5q15.
Variant type: single nucleotide variant.
Coding change: c.3582C>T on transcript NM_001270.4 (MANE Select); coding-DNA position 3582, C replaced by T.
Protein change: p.Leu1194=; no amino-acid change (leucine 1194 retained).
Molecular consequence: synonymous variant. On other transcripts: non-coding transcript variant (2).
Genome position (GRCh38, 1-based): chr5:98,872,545, G>A on the plus strand (C>T on the coding strand, the complement: CHD1 is on the minus strand). VCF-style: chr5-98872545-G-A. GRCh37 (hg19) VCF-style: chr5-98208249-G-A.
Other names: c.3582C>T, p.Leu1194= (NM_001364113.3, NM_001376194.2).
Identifiers: ClinVar variation 2655611 (VCV002655611.24), dbSNP rs954196135, ClinGen allele CA123054034.
Genomic context (GRCh38, chr5:98,872,545, plus strand): 5'-GACTAGTTTGGCATTCACCTGTACTCCTGATATTCGGAATGTTGGACCCTTCACTTTTCC[G>A]AGTCTACCACCTTGATTTTTTTTAAAAAAACCAGTATTTTTAAAAGTATAAAACATAATT-3'
Protein context (NP_001261.2, residues 1184-1204): SSGTERTGGR[Leu1194=]GKVKGPTFRI